The following is an entry in ClinVar:

NM_005045.4(RELN):c.5660G>T (p.Ser1887Ile)

Gene: RELN (reelin; minus strand). Cytogenetic location: 7q22.1.
Variant type: single nucleotide variant.
Coding change: c.5660G>T on transcript NM_005045.4 (MANE Select); coding-DNA position 5660, G replaced by T.
Protein change: p.Ser1887Ile; replaces serine 1887 with isoleucine.
Molecular consequence: missense variant.
Genome position (GRCh38, 1-based): chr7:103,557,114, C>A on the plus strand (G>T on the coding strand, the complement: RELN is on the minus strand). VCF-style: chr7-103557114-C-A. GRCh37 (hg19) VCF-style: chr7-103197561-C-A.
Other names: c.5660G>T, p.Ser1887Ile (NM_173054.3); short protein forms S1887I.
Identifiers: ClinVar variation 3751455 (VCV003751455.2).

ClinVar aggregate classification (germline): Uncertain significance (1 of 4 stars; one submission).

Conditions:
Familial temporal lobe epilepsy 7. Identifiers: Orphanet 101046, MedGen C4225327, MONDO:0014639, OMIM 616436.
Norman-Roberts syndrome (LIS2). Also called: Lissencephaly 2 (Norman-Roberts type). Identifiers: Orphanet 89844, MedGen C0796089, MONDO:0009760, OMIM 257320.

gnomAD v4.1: 5 of 1,613,644 alleles (0.00031%); highest among the groups gnomAD compares: Non-Finnish European, 0.00042%; no homozygotes.

Submission:

Labcorp Genetics (formerly Invitae), Labcorp
Classification: Uncertain significance for Familial temporal lobe epilepsy 7; Norman-Roberts syndrome. Last evaluated: 2024-05-21. Review status: criteria provided, single submitter. Criteria: Invitae Variant Classification Sherloc (09022015). Collection method: clinical testing. Allele origin: germline.
Comment: This sequence change replaces serine, which is neutral and polar, with isoleucine, which is neutral and non-polar, at codon 1887 of the RELN protein (p.Ser1887Ile). This variant is not present in population databases (gnomAD no frequency). This variant has not been reported in the literature in individuals affected with RELN-related conditions. Advanced modeling of protein sequence and biophysical properties (such as structural, functional, and spatial information, amino acid conservation, physicochemical variation, residue mobility, and thermodynamic stability) performed at Invitae indicates that this missense variant is not expected to disrupt RELN protein function with a negative predictive value of 80%. In summary, the available evidence is currently insufficient to determine the role of this variant in disease. Therefore, it has been classified as a Variant of Uncertain Significance.